The following is an entry in ClinVar:

ClinVar aggregate classification (germline): Pathogenic (1 of 4 stars; one submission).

Conditions:
Familial adenomatous polyposis 1 (FAP1). Also called: POLYPOSIS, ADENOMATOUS INTESTINAL; FAMILIAL ADENOMATOUS POLYPOSIS 1, ATTENUATED. Identifiers: MedGen C2713442, MONDO:0021056, OMIM 175100. Disease mechanism: loss of function.

Submission:

Myriad Genetics, Inc.
Classification: Pathogenic for Familial adenomatous polyposis 1. Last evaluated: 2023-05-04. Review status: criteria provided, single submitter. Criteria: Myriad Autosomal Dominant, Autosomal Recessive and X-Linked Classification Criteria (2023). Collection method: clinical testing. Allele origin: unknown.
Comment: This variant is considered pathogenic. This variant creates a frameshift predicted to result in premature protein truncation.

NM_000038.6(APC):c.2296dup (p.Ala766fs)

Gene: APC (APC regulator of Wnt signaling pathway; plus strand). Cytogenetic location: 5q22.2.
Variant type: Duplication.
Coding change: c.2296dup on transcript NM_000038.6 (MANE Select); coding-DNA position 2296, one base duplicated (G; older notation c.2296dupG).
Protein change: p.Ala766fs; shifts the reading frame from alanine 766.
Molecular consequence: frameshift variant. On other transcripts: non-coding transcript variant (2).
Genome position (GRCh38, 1-based): chr5:112,837,890, G duplicated. VCF-style (leftmost placement, unchanged base first): chr5-112837889-T-TG. GRCh37 (hg19) VCF-style: chr5-112173586-T-TG.
Other names: c.2296dup, p.Ala766fs (NM_001127510.3, NM_001354895.2, NM_001407450.1); c.2242dup, p.Ala748fs (NM_001127511.3); c.2350dup, p.Ala784fs (NM_001354896.2, NM_001407447.1, NM_001407448.1 and 1 more transcripts); c.2326dup, p.Ala776fs (NM_001354897.2); c.2221dup, p.Ala741fs (NM_001354898.2); c.2212dup, p.Ala738fs (NM_001354899.2); c.2173dup, p.Ala725fs (NM_001354900.2); c.2119dup, p.Ala707fs (NM_001354901.2, NM_001407453.1); and 11 more; short protein forms A382fs, A483fs, A606fs, A637fs, A640fs, A665fs, A675fs, A683fs.
Identifiers: ClinVar variation 2583474 (VCV002583474.2), dbSNP rs2533410520, ClinGen allele CA2582341448.
Genomic context (GRCh38, chr5:112,837,889, plus strand): 5'-TGGCTCAAGCTTGCCATCTCTTCATGTTAGGAAACAAAAAGCCCTAGAAGCAGAATTAGA[T>TG]GCTCAGCACTTATCAGAAACTTTTGACAATATAGACAATTTAAGTCCCAAGGCATCTCAT-3'